The following is an entry in ClinVar:

NM_000138.5(FBN1):c.621G>T (p.Thr207=)

Gene: FBN1 (fibrillin 1; minus strand). Cytogenetic location: 15q21.1.
Variant type: single nucleotide variant.
Coding change: c.621G>T on transcript NM_000138.5 (MANE Select); coding-DNA position 621, G replaced by T.
Protein change: p.Thr207=; no amino-acid change (threonine 207 retained).
Molecular consequence: synonymous variant.
Genome position (GRCh38, 1-based): chr15:48,537,726, C>A on the plus strand (G>T on the coding strand, the complement: FBN1 is on the minus strand). VCF-style: chr15-48537726-C-A. GRCh37 (hg19) VCF-style: chr15-48829923-C-A.
Identifiers: ClinVar variation 927921 (VCV000927921.5), dbSNP rs765173237, ClinGen allele CA490090140.

ClinVar aggregate classification (germline): Likely benign. Review status: criteria provided, multiple submitters, no conflicts (2 of 4 stars). 3 submissions from 3 submitters: Likely benign (3). Last evaluated 2024-05-26.

Conditions:
Familial thoracic aortic aneurysm and aortic dissection (TAAD). Also called: Thoracic aortic aneurysms and dissections. Identifiers: Orphanet 91387, MedGen C4707243, MONDO:0019625.
Marfan syndrome (MFS). Also called: Marfan syndrome, classic; Marfan syndrome type 1; Marfan's syndrome; FBN1-Related Marfan Syndrome; MARFAN SYNDROME, TYPE I. Identifiers: Orphanet 284963, Orphanet 558, MedGen C0024796, MONDO:0007947, OMIM 154700.

gnomAD v4.1: 2 of 1,614,206 alleles (0.00012%); highest among the groups gnomAD compares: Admixed American, 0.0017%; no homozygotes.

Submissions (3):

Labcorp Genetics (formerly Invitae), Labcorp
Classification: Likely benign for Marfan syndrome; Familial thoracic aortic aneurysm and aortic dissection. Last evaluated: 2024-05-26. Review status: criteria provided, single submitter. Criteria: Invitae Variant Classification Sherloc (09022015). Collection method: clinical testing. Allele origin: germline.

All of Us Research Program, National Institutes of Health
Classification: Likely benign for Marfan syndrome. Last evaluated: 2023-08-23. Review status: criteria provided, single submitter. Criteria: ACMG Guidelines, 2015. Collection method: clinical testing. Allele origin: germline. Inheritance: Autosomal dominant inheritance. Observed: 1 variant allele, 1 heterozygote.
Comment: This study involves interpretation of variants in research participants for the purpose of population health screening. Participant phenotype was not available at the time of variant classification. Additional details can be found in publication PMID: 35346344, PMCID: PMC8962531

Color Diagnostics, LLC DBA Color Health
Classification: Likely benign for Familial thoracic aortic aneurysm and aortic dissection. Last evaluated: 2019-10-08. Review status: criteria provided, single submitter. Criteria: ACMG Guidelines, 2015. Collection method: clinical testing. Allele origin: germline.